The following is an entry in ClinVar:

NM_025193.4(HSD3B7):c.167-6G>A

Gene: HSD3B7 (hydroxy-delta-5-steroid dehydrogenase, 3 beta- and steroid delta-isomerase 7; plus strand). Cytogenetic location: 16p11.2.
Variant type: single nucleotide variant.
Coding change: c.167-6G>A on transcript NM_025193.4 (MANE Select); 6 bases into the intron before coding-DNA position 167, G replaced by A.
Molecular consequence: intron variant.
Genome position (GRCh38, 1-based): chr16:30,986,043, G>A. VCF-style: chr16-30986043-G-A. GRCh37 (hg19) VCF-style: chr16-30997364-G-A.
Other names: p.?; c.167-6G>A (NM_001142777.2, NM_001142778.2).
Identifiers: ClinVar variation 196526 (VCV000196526.6), dbSNP rs794727520, ClinGen allele CA243506.

ClinVar aggregate classification (germline): Uncertain significance. Review status: criteria provided, multiple submitters, no conflicts (2 of 4 stars). 2 submissions from 2 submitters: Uncertain significance (2). Last evaluated 2024-05-28.

Allele frequency attached by ClinVar (database versions not stated): gnomAD exomes below 0.00001 and 0.00001; gnomAD 0.00001; TOPMed 0.00001.
gnomAD v4.1: 11 of 1,612,256 alleles (0.00068%); highest among the groups gnomAD compares: Non-Finnish European, 0.00093%; no homozygotes.

Submissions (2):

Mayo Clinic Laboratories, Mayo Clinic
Classification: Uncertain significance. Last evaluated: 2024-05-28. Review status: criteria provided, single submitter. Criteria: ACMG Guidelines, 2015. Collection method: clinical testing. Allele origin: germline. Observed: 1 variant allele.
Comment: PP3, PM2

Eurofins Ntd Llc (ga)
Classification: Uncertain significance. Last evaluated: 2015-06-01. Review status: criteria provided, single submitter. Criteria: EGL Classification Definitions 2015. Collection method: clinical testing. Allele origin: germline. Observed: 1 variant allele, 1 homozygote.